The following is an entry in ClinVar:

NM_001020658.2(PUM1):c.1738C>T (p.Arg580Ter)

Gene: PUM1 (pumilio RNA binding family member 1; minus strand). Cytogenetic location: 1p35.2.
Variant type: single nucleotide variant.
Coding change: c.1738C>T on transcript NM_001020658.2 (MANE Select); coding-DNA position 1738, C replaced by T.
Protein change: p.Arg580Ter; replaces arginine 580 with a stop codon.
Molecular consequence: nonsense.
Genome position (GRCh38, 1-based): chr1:30,967,218, G>A on the plus strand (C>T on the coding strand, the complement: PUM1 is on the minus strand). VCF-style: chr1-30967218-G-A. GRCh37 (hg19) VCF-style: chr1-31440065-G-A.
Other names: c.1738C>T (NM_001020658.1); c.1738C>T, p.Arg580Ter (NM_014676.3); short protein forms R580*.
Identifiers: ClinVar variation 2576120 (VCV002576120.2), dbSNP rs868087579, ClinGen allele CA20110391.

ClinVar aggregate classification (germline): Pathogenic/Likely pathogenic. Review status: criteria provided, multiple submitters, no conflicts (2 of 4 stars). 2 submissions from 2 submitters: Pathogenic (1); Likely pathogenic (1). Last evaluated 2026-03-23.

Allele frequency attached by ClinVar (database versions not stated): TOPMed below 0.00001.

Submissions (2):

GeneDx
Classification: Pathogenic. Last evaluated: 2026-03-23. Review status: criteria provided, single submitter. Criteria: GeneDx Variant Classification Process June 2021. Collection method: clinical testing. Allele origin: germline.
Comment: De novo variant with confirmed parentage in a fetus with aortic atresia, hypoplastic right ventricle, and malposition of the great arteries (PMID: 30868567); Nonsense variant predicted to result in protein truncation or nonsense mediated decay in a gene for which loss of function is a known mechanism of disease; Not observed at significant frequency in large population cohorts (gnomAD); This variant is associated with the following publications: (PMID: 30868567)

Institute for Clinical Genetics, University Hospital TU Dresden, University Hospital TU Dresden
Classification: Likely pathogenic. Last evaluated: 2023-07-13. Review status: criteria provided, single submitter. Criteria: ACMG Guidelines, 2015. Collection method: clinical testing. Allele origin: germline.
Comment: PVS1, PM2_SUP